The following is an entry in ClinVar:

NM_000059.4(BRCA2):c.6691G>T (p.Ala2231Ser)

Gene: BRCA2 (BRCA2 DNA repair associated; plus strand). Cytogenetic location: 13q13.1.
Variant type: single nucleotide variant.
Coding change: c.6691G>T on transcript NM_000059.4 (MANE Select); coding-DNA position 6691, G replaced by T.
Protein change: p.Ala2231Ser; replaces alanine 2231 with serine.
Molecular consequence: missense variant.
Genome position (GRCh38, 1-based): chr13:32,341,046, G>T. VCF-style: chr13-32341046-G-T. GRCh37 (hg19) VCF-style: chr13-32915183-G-T.
Other names: short protein forms A2231S.
Identifiers: ClinVar variation 409436 (VCV000409436.11), dbSNP rs758379999, ClinGen allele CA16613914.

ClinVar aggregate classification (germline): Conflicting classifications of pathogenicity. Review status: criteria provided, conflicting classifications (1 of 4 stars). 4 submissions from 4 submitters: Uncertain significance (3); Likely benign (1). Last evaluated 2025-10-29.

Conditions:
Hereditary breast ovarian cancer syndrome. Also called: Hereditary breast and ovarian cancer; Hereditary breast and/or ovarian cancer syndrome; BRCA1- and BRCA2-Associated Hereditary Breast and Ovarian Cancer; Hereditary breast and ovarian cancer syndrome; Hereditary breast and ovarian cancer syndrome (HBOC); Breast and ovarian cancer. Identifiers: Orphanet 145, MedGen C0677776, MeSH D061325, MONDO:0003582. Disease mechanism: loss of function.
Hereditary cancer-predisposing syndrome. Also called: Tumor predisposition; Hereditary Cancer Syndrome; Hereditary neoplastic syndrome; Neoplastic Syndromes, Hereditary. Identifiers: Orphanet 140162, MedGen C0027672, MeSH D009386, MONDO:0015356.

Submissions (4):

Ambry Genetics
Classification: Uncertain significance for Hereditary cancer-predisposing syndrome. Last evaluated: 2025-10-29. Review status: criteria provided, single submitter. Criteria: Ambry Variant Classification Scheme 2023. Collection method: clinical testing. Allele origin: germline.
Comment: The p.A2231S variant (also known as c.6691G>T), located in coding exon 10 of the BRCA2 gene, results from a G to T substitution at nucleotide position 6691. The alanine at codon 2231 is replaced by serine, an amino acid with similar properties. This amino acid position is well conserved in available vertebrate species. In addition, the in silico prediction for this alteration is inconclusive. Based on the available evidence, the clinical significance of this variant remains unclear.

Color Diagnostics, LLC DBA Color Health
Classification: Uncertain significance for Hereditary cancer-predisposing syndrome. Last evaluated: 2025-09-16. Review status: criteria provided, single submitter. Criteria: ACMG Guidelines, 2015. Collection method: clinical testing. Allele origin: germline.
Comment: This missense variant replaces alanine with serine at codon 2231 of the BRCA2 protein. Computational prediction suggests that this variant may not impact protein structure and function. To our knowledge, functional studies have not been reported for this variant. This variant has not been reported in individuals affected with BRCA2-related disorders in the literature. This variant has not been identified in the general population by the Genome Aggregation Database (gnomAD). The available evidence is insufficient to determine the role of this variant in disease conclusively. Therefore, this variant is classified as a Variant of Uncertain Significance.

University of Washington Department of Laboratory Medicine, University of Washington
Classification: Likely benign for Hereditary cancer-predisposing syndrome. Last evaluated: 2023-03-23. Review status: criteria provided, single submitter. Criteria: Dines et al. (Genet Med. 2020). Collection method: curation. Allele origin: germline.
Comment: Missense variant in a coldspot region where missense variants are very unlikely to be pathogenic (PMID:31911673).

BRCA2 exon 11 coldspot. Reclassification based on statistical prior probability.

Labcorp Genetics (formerly Invitae), Labcorp
Classification: Uncertain significance for Hereditary breast ovarian cancer syndrome. Last evaluated: 2021-01-25. Review status: criteria provided, single submitter. Criteria: Invitae Variant Classification Sherloc (09022015). Collection method: clinical testing. Allele origin: germline.
Comment: This sequence change replaces alanine with serine at codon 2231 of the BRCA2 protein (p.Ala2231Ser). The alanine residue is highly conserved and there is a moderate physicochemical difference between alanine and serine. This variant is not present in population databases (ExAC no frequency). This variant has not been reported in the literature in individuals with BRCA2-related conditions. ClinVar contains an entry for this variant (Variation ID: 409436). Algorithms developed to predict the effect of missense changes on protein structure and function are either unavailable or do not agree on the potential impact of this missense change (SIFT: "Deleterious"; PolyPhen-2: "Probably Damaging"; Align-GVGD: "Class C0"). In summary, the available evidence is currently insufficient to determine the role of this variant in disease. Therefore, it has been classified as a Variant of Uncertain Significance.